The following is an entry in ClinVar:

ClinVar aggregate classification (germline): Uncertain significance (1 of 4 stars; one submission).

Conditions:
Hereditary cancer-predisposing syndrome. Also called: Neoplastic Syndromes, Hereditary; Tumor predisposition; Hereditary neoplastic syndrome; Hereditary Cancer Syndrome. Identifiers: Orphanet 140162, MedGen C0027672, MeSH D009386, MONDO:0015356.

gnomAD v4.1: 1 of 1,613,982 alleles (0.000062%); highest among the groups gnomAD compares: East Asian, 0.0022%; no homozygotes.

Submission:

Ambry Genetics
Classification: Uncertain significance for Hereditary cancer-predisposing syndrome. Last evaluated: 2026-07-07. Review status: criteria provided, single submitter. Criteria: Ambry Variant Classification Scheme 2023. Collection method: clinical testing. Allele origin: germline.
Comment: The p.N88S variant (also known as c.263A>G), located in coding exon 2 of the PRKAR1A gene, results from an A to G substitution at nucleotide position 263. The asparagine at codon 88 is replaced by serine, an amino acid with highly similar properties. This amino acid position is conserved. In addition, the in silico prediction for this alteration is inconclusive. Based on the available evidence, the clinical significance of this variant remains unclear.

NM_002734.5(PRKAR1A):c.263A>G (p.Asn88Ser)

Gene: PRKAR1A (protein kinase cAMP-dependent type I regulatory subunit alpha; plus strand). Cytogenetic location: 17q24.2.
Variant type: single nucleotide variant.
Coding change: c.263A>G on transcript NM_002734.5 (MANE Select); coding-DNA position 263, A replaced by G.
Protein change: p.Asn88Ser; replaces asparagine 88 with serine.
Molecular consequence: missense variant.
Genome position (GRCh38, 1-based): chr17:68,522,841, A>G. VCF-style: chr17-68522841-A-G. GRCh37 (hg19) VCF-style: chr17-66518982-A-G.
Other names: c.263A>G, p.Asn88Ser (NM_212471.3, NM_212472.2, NM_001276289.2 and 4 more transcripts); short protein forms N88S.
Identifiers: ClinVar variation 5027331 (VCV005027331.1).